The following is an entry in ClinVar:

NM_004415.4(DSP):c.8128G>T (p.Ala2710Ser)

Gene: DSP (desmoplakin; plus strand). Cytogenetic location: 6p24.3.
Variant type: single nucleotide variant.
Coding change: c.8128G>T on transcript NM_004415.4 (MANE Select); coding-DNA position 8128, G replaced by T.
Protein change: p.Ala2710Ser; replaces alanine 2710 with serine.
Molecular consequence: missense variant.
Genome position (GRCh38, 1-based): chr6:7,585,390, G>T. VCF-style: chr6-7585390-G-T. GRCh37 (hg19) VCF-style: chr6-7585623-G-T.
Other names: c.6331G>T, p.Ala2111Ser (NM_001008844.3); c.6799G>T, p.Ala2267Ser (NM_001319034.2); short protein forms A2267S, A2710S, A2111S.
Identifiers: ClinVar variation 666382 (VCV000666382.6), dbSNP rs1561705003, ClinGen allele CA362694499.

ClinVar aggregate classification (germline): Uncertain significance. Review status: criteria provided, multiple submitters, no conflicts (2 of 4 stars). 2 submissions from 2 submitters: Uncertain significance (2). Last evaluated 2025-07-29.

Conditions:
Cardiovascular phenotype. Identifiers: MedGen CN230736.
Cardiomyopathy (CMYO). Also called: Cardiomyopathies. Identifiers: Orphanet 167848, MedGen C0878544, MONDO:0004994, HP:0001638. Inheritance: Various modes of inheritance.

Allele frequency attached by ClinVar (database versions not stated): gnomAD exomes below 0.00001.
gnomAD v4.1: 10 of 1,614,170 alleles (0.00062%); highest among the groups gnomAD compares: Non-Finnish European, 0.00085%; no homozygotes.

Submissions (2):

Color Diagnostics, LLC DBA Color Health
Classification: Uncertain significance for Cardiomyopathy. Last evaluated: 2025-07-29. Review status: criteria provided, single submitter. Criteria: ACMG Guidelines, 2015. Collection method: clinical testing. Allele origin: germline.
Comment: This missense variant replaces alanine with serine at codon 2710 of the DSP protein. Computational prediction suggests that this variant may not impact protein structure and function. To our knowledge, functional studies have not been reported for this variant. This variant has been reported in an individual affected with primary electrical disease (PMID: 28341588). This variant has been identified in 1/251442 chromosomes in the general population by the Genome Aggregation Database (gnomAD). The available evidence is insufficient to determine the role of this variant in disease conclusively. Therefore, this variant is classified as a Variant of Uncertain Significance.

Ambry Genetics
Classification: Uncertain significance for Cardiovascular phenotype. Last evaluated: 2019-04-30. Review status: criteria provided, single submitter. Criteria: Ambry Variant Classification Scheme 2023. Collection method: clinical testing. Allele origin: germline.
Comment: The p.A2710S variant (also known as c.8128G>T), located in coding exon 24 of the DSP gene, results from a G to T substitution at nucleotide position 8128. The alanine at codon 2710 is replaced by serine, an amino acid with similar properties. This variant was detected in a confirmed or suspected primary electrical disease cohort; however, details were limited (Proost D et al. J Mol Diagn, 2017 05;19:445-459). This amino acid position is highly conserved in available vertebrate species. In addition, the in silico prediction for this alteration is inconclusive. Since supporting evidence is limited at this time, the clinical significance of this alteration remains unclear.

Literature cited by the submitters: PubMed 28341588 (cited by Color Diagnostics, LLC DBA Color Health and Ambry Genetics).